The following is an entry in ClinVar:

NM_024598.4(USB1):c.694G>A (p.Ala232Thr)

Gene: USB1 (U6 snRNA biogenesis phosphodiesterase 1; plus strand). Cytogenetic location: 16q21.
Variant type: single nucleotide variant.
Coding change: c.694G>A on transcript NM_024598.4 (MANE Select); coding-DNA position 694, G replaced by A.
Protein change: p.Ala232Thr; replaces alanine 232 with threonine.
Molecular consequence: missense variant.
Genome position (GRCh38, 1-based): chr16:58,020,141, G>A. VCF-style: chr16-58020141-G-A. GRCh37 (hg19) VCF-style: chr16-58054045-G-A.
Other names: c.640G>A, p.Ala214Thr (NM_001195302.2); c.541G>A, p.Ala181Thr (NM_001330568.2); short protein forms A181T, A214T, A232T.
Identifiers: ClinVar variation 3813904 (VCV003813904.1).

ClinVar aggregate classification (germline): Uncertain significance (1 of 4 stars; one submission).

Conditions:
Inborn genetic diseases. Identifiers: MedGen C0950123, MeSH D030342.

gnomAD v4.1: 3 of 1,614,152 alleles (0.00019%); highest among the groups gnomAD compares: Non-Finnish European, 0.00025%; no homozygotes.

Submission:

Ambry Genetics
Classification: Uncertain significance for Inborn genetic diseases. Last evaluated: 2025-02-21. Review status: criteria provided, single submitter. Criteria: Ambry Variant Classification Scheme 2023. Collection method: clinical testing. Allele origin: germline.
Comment: The p.A232T variant (also known as c.694G>A) is located in coding exon 7 of the USB1 gene. The alanine at codon 232 is replaced by threonine, an amino acid with similar properties. This change occurs in the first base pair of coding exon 7. This amino acid position is conserved. In addition, this alteration is predicted to be tolerated by in silico analysis. Based on the available evidence, the clinical significance of this variant remains unclear.